The following is an entry in ClinVar:

NM_006031.6(PCNT):c.7871C>G (p.Ser2624Cys)

Gene: PCNT (pericentrin; plus strand). Cytogenetic location: 21q22.3.
Variant type: single nucleotide variant.
Coding change: c.7871C>G on transcript NM_006031.6 (MANE Select); coding-DNA position 7871, C replaced by G.
Protein change: p.Ser2624Cys; replaces serine 2624 with cysteine.
Molecular consequence: missense variant.
Genome position (GRCh38, 1-based): chr21:46,430,190, C>G. VCF-style: chr21-46430190-C-G. GRCh37 (hg19) VCF-style: chr21-47850104-C-G.
Other names: c.7517C>G, p.Ser2506Cys (NM_001315529.2); short protein forms S2506C, S2624C.
Identifiers: ClinVar variation 3052303 (VCV003052303.2), dbSNP rs199981467, ClinGen allele CA410571962.

ClinVar aggregate classification (germline): Uncertain significance (0 of 4 stars; one submission).

Conditions:
PCNT-related disorder. Also called: PCNT-related condition.

Submission:

PreventionGenetics, part of Exact Sciences
Classification: Uncertain significance for PCNT-related condition. Last evaluated: 2023-12-20. Review status: no assertion criteria provided. Collection method: clinical testing. Allele origin: germline.
Comment: The PCNT c.7871C>G variant is predicted to result in the amino acid substitution p.Ser2624Cys. To our knowledge, this variant has not been reported in the literature or in a large population database, indicating this variant is rare. At this time, the clinical significance of this variant is uncertain due to the absence of conclusive functional and genetic evidence.